The following is an entry in ClinVar:

NM_006648.4(WNK2):c.4841G>A (p.Gly1614Glu)

Gene: WNK2 (WNK lysine deficient protein kinase 2; plus strand). Cytogenetic location: 9q22.31.
Variant type: single nucleotide variant.
Coding change: c.4841G>A on transcript NM_006648.4 (MANE Select); coding-DNA position 4841, G replaced by A.
Protein change: p.Gly1614Glu; replaces glycine 1614 with glutamic acid.
Molecular consequence: missense variant.
Genome position (GRCh38, 1-based): chr9:93,289,595, G>A. VCF-style: chr9-93289595-G-A. GRCh37 (hg19) VCF-style: chr9-96051877-G-A.
Other names: c.4952G>A, p.Gly1651Glu (NM_001282394.3); short protein forms G1614E, G1651E.
Identifiers: ClinVar variation 5031816 (VCV005031816.1).

ClinVar aggregate classification (germline): Uncertain significance (1 of 4 stars; one submission).

Submission:

Ambry Genetics
Classification: Uncertain significance. Last evaluated: 2026-06-29. Review status: criteria provided, single submitter. Criteria: Ambry Variant Classification Scheme 2023. Collection method: clinical testing. Allele origin: germline.
Comment: The p.G1614E variant (also known as c.4841G>A), located in coding exon 19 of the WNK2 gene, results from a G to A substitution at nucleotide position 4841. The glycine at codon 1614 is replaced by glutamic acid, an amino acid with similar properties. This amino acid position is conserved. In addition, this alteration is predicted to be tolerated by in silico analysis. Based on the available evidence, the clinical significance of this variant remains unclear.